The following is an entry in ClinVar:

NM_000051.4(ATM):c.3747-197_3747-16del

Gene: ATM (ATM serine/threonine kinase; plus strand). Cytogenetic location: 11q22.3.
Variant type: Deletion.
Coding change: c.3747-197_3747-16del on transcript NM_000051.4 (MANE Select); 197 bases into the intron before coding-DNA position 3747 through 16 bases into the intron before coding-DNA position 3747, 182 bases deleted.
Molecular consequence: intron variant.
Genome position (GRCh38, 1-based): chr11:108,284,030-108,284,211, 182 bases deleted. GRCh37 (hg19): chr11:108,154,757-108,154,938.
Other names: c.3747-197_3747-16del (NM_001351834.2).
Identifiers: ClinVar variation 4734289 (VCV004734289.1).

ClinVar aggregate classification (germline): Uncertain significance (1 of 4 stars; one submission).

Conditions:
Ataxia-telangiectasia syndrome (AT). Also called: Cerebello-oculocutaneous telangiectasia; Immunodeficiency with ataxia telangiectasia; Ataxia-telangiectasia, complementation group E; LOUIS-BAR SYNDROME; AT, COMPLEMENTATION GROUP C; ATAXIA-TELANGIECTASIA, COMPLEMENTATION GROUP A. Identifiers: Orphanet 100, MedGen C0004135, MONDO:0008840, OMIM 208900.

Submission:

Labcorp Genetics (formerly Invitae), Labcorp
Classification: Uncertain significance for Ataxia-telangiectasia syndrome. Last evaluated: 2025-12-28. Review status: criteria provided, single submitter. Criteria: Invitae Variant Classification Sherloc (09022015). Collection method: clinical testing. Allele origin: germline.
Comment: This sequence change falls in intron 25 of the ATM gene. It does not directly change the encoded amino acid sequence of the ATM protein. This variant is not present in population databases (gnomAD no frequency). This variant has not been reported in the literature in individuals affected with ATM-related conditions. Experimental studies and prediction algorithms are not available or were not evaluated, and the effect of this variant on mRNA splicing is currently unknown. In summary, the available evidence is currently insufficient to determine the role of this variant in disease. Therefore, it has been classified as a Variant of Uncertain Significance.